The following is an entry in ClinVar:

ClinVar aggregate classification (germline): Uncertain significance (1 of 4 stars; one submission).

Submission:

Labcorp Genetics (formerly Invitae), Labcorp
Classification: Uncertain significance. Last evaluated: 2023-10-18. Review status: criteria provided, single submitter. Criteria: Invitae Variant Classification Sherloc (09022015). Collection method: clinical testing. Allele origin: germline.
Comment: This sequence change results in a frameshift in the CXCR2 gene (p.Phe348Leufs*70). While this is not anticipated to result in nonsense mediated decay, it is expected to disrupt the last 13 amino acid(s) of the CXCR2 protein and extend the protein by 56 additional amino acid residues. This variant is present in population databases (no rsID available, gnomAD 0.01%). This frameshift has been observed in individual(s) with clinical features of congenital neutropenia (Invitae). In at least one individual the data is consistent with being in trans (on the opposite chromosome) from a pathogenic variant. ClinVar contains an entry for this variant (Variation ID: 2000526). In summary, the available evidence is currently insufficient to determine the role of this variant in disease. Therefore, it has been classified as a Variant of Uncertain Significance.

NM_001557.4(CXCR2):c.1041del (p.Phe348fs)

Gene: CXCR2 (C-X-C motif chemokine receptor 2; plus strand). Cytogenetic location: 2q35.
Variant type: Deletion.
Coding change: c.1041del on transcript NM_001557.4 (MANE Select); coding-DNA position 1041, one base deleted (C; older notation c.1041delC).
Protein change: p.Phe348fs; shifts the reading frame from phenylalanine 348.
Molecular consequence: frameshift variant.
Genome position (GRCh38, 1-based): chr2:218,135,842, C deleted; the last of 2 consecutive C bases (chr2:218,135,841-218,135,842); deleting either gives the same sequence. VCF-style (leftmost placement, unchanged base first): chr2-218135840-TC-T. GRCh37 (hg19) VCF-style: chr2-219000563-TC-T.
Other names: c.1041del, p.Phe348fs (NM_001168298.2); short protein forms F348fs.
Identifiers: ClinVar variation 2000526 (VCV002000526.4), dbSNP rs1222503103, ClinGen allele CA539838963.